The following is an entry in ClinVar:

NM_032122.5(DTNBP1):c.19_20delinsTT (p.Glu7Leu)

Genes: DTNBP1 (dystrobrevin binding protein 1; minus strand), LOC129995888 (ATAC-STARR-seq lymphoblastoid silent region 16953; plus strand). Cytogenetic location: 6p22.3.
Variant type: Indel.
Coding change: c.19_20delinsTT on transcript NM_032122.5 (MANE Select); coding-DNA positions 19 to 20, GA replaced by TT.
Protein change: p.Glu7Leu; replaces glutamic acid 7 with leucine.
Molecular consequence: missense variant. On other transcripts: 5 prime UTR variant (1), non-coding transcript variant (1).
Genome position (GRCh38, 1-based): chr6:15,662,850-15,662,851, TC replaced by AA on the plus strand (GA replaced by TT on the coding strand, the reverse complement: DTNBP1 is on the minus strand). VCF-style: chr6-15662850-TC-AA. GRCh37 (hg19) VCF-style: chr6-15663081-TC-AA.
Other names: c.-270_-269delinsTT (NM_001271667.2); c.19_20delinsTT, p.Glu7Leu (NM_001271668.2, NM_001271669.2, NM_183040.2); c.-270_-269delGAinsTT (NM_183041.1); short protein forms E7L.
Identifiers: ClinVar variation 2812967 (VCV002812967.3), dbSNP rs2533813380, ClinGen allele CA2739272846.

ClinVar aggregate classification (germline): Uncertain significance (1 of 4 stars; one submission).

Submission:

Labcorp Genetics (formerly Invitae), Labcorp
Classification: Uncertain significance. Last evaluated: 2023-11-22. Review status: criteria provided, single submitter. Criteria: Invitae Variant Classification Sherloc (09022015). Collection method: clinical testing. Allele origin: germline.
Comment: This sequence change replaces glutamic acid, which is acidic and polar, with leucine, which is neutral and non-polar, at codon 7 of the DTNBP1 protein (p.Glu7Leu). Information on the frequency of this variant in the gnomAD database is not available, as this variant may be reported differently in the database. This variant has not been reported in the literature in individuals affected with DTNBP1-related conditions. An algorithm developed to predict the effect of missense changes on protein structure and function (PolyPhen-2) suggests that this variant is likely to be disruptive. In summary, the available evidence is currently insufficient to determine the role of this variant in disease. Therefore, it has been classified as a Variant of Uncertain Significance.